The following is an entry in ClinVar:

NM_138420.4(AHNAK2):c.5499C>A (p.Phe1833Leu)

Gene: AHNAK2 (AHNAK nucleoprotein 2; minus strand). Cytogenetic location: 14q32.33.
Variant type: single nucleotide variant.
Coding change: c.5499C>A on transcript NM_138420.4 (MANE Select); coding-DNA position 5499, C replaced by A.
Protein change: p.Phe1833Leu; replaces phenylalanine 1833 with leucine.
Molecular consequence: missense variant.
Genome position (GRCh38, 1-based): chr14:104,949,952, G>T on the plus strand (C>A on the coding strand, the complement: AHNAK2 is on the minus strand). VCF-style: chr14-104949952-G-T. GRCh37 (hg19) VCF-style: chr14-105416289-G-T.
Other names: c.5199C>A, p.Phe1733Leu (NM_001350929.2); c.5499C>A (NM_138420.2); short protein forms F1733L, F1833L.
Identifiers: ClinVar variation 2644792 (VCV002644792.25), dbSNP rs201235573, ClinGen allele CA7381718.

ClinVar aggregate classification (germline): Conflicting classifications of pathogenicity. Review status: criteria provided, conflicting classifications (1 of 4 stars). 2 submissions from 2 submitters: Uncertain significance (1); Likely benign (1). Last evaluated 2025-11-02.

gnomAD v4.1: 231 of 1,583,506 alleles (0.015%); highest among the groups gnomAD compares: Middle Eastern, 0.033%; 17 homozygotes.

Submissions (2):

Ambry Genetics
Classification: Uncertain significance. Last evaluated: 2025-11-02. Review status: criteria provided, single submitter. Criteria: Ambry Variant Classification Scheme 2023. Collection method: clinical testing. Allele origin: germline.

CeGaT Center for Human Genetics Tuebingen
Classification: Likely benign. Last evaluated: 2022-07-01. Review status: criteria provided, single submitter. Criteria: CeGaT Center For Human Genetics Tuebingen Variant Classification Criteria Version 2. Collection method: clinical testing. Allele origin: germline. Affected: yes. Observed: 1 variant allele.
Comment: AHNAK2: BP4